The following is an entry in ClinVar:

NM_001903.5(CTNNA1):c.1060A>C (p.Asn354His)

Gene: CTNNA1 (catenin alpha 1; plus strand). Cytogenetic location: 5q31.2.
Variant type: single nucleotide variant.
Coding change: c.1060A>C on transcript NM_001903.5 (MANE Select); coding-DNA position 1060, A replaced by C.
Protein change: p.Asn354His; replaces asparagine 354 with histidine.
Molecular consequence: missense variant.
Genome position (GRCh38, 1-based): chr5:138,827,716, A>C. VCF-style: chr5-138827716-A-C. GRCh37 (hg19) VCF-style: chr5-138163405-A-C.
Other names: c.1060A>C, p.Asn354His (NM_001290307.3, NM_001323982.2, NM_001323983.1 and 3 more transcripts); c.751A>C, p.Asn251His (NM_001290309.3); c.691A>C, p.Asn231His (NM_001290310.3); short protein forms N231H, N251H, N354H.
Identifiers: ClinVar variation 5035010 (VCV005035010.1).
Genomic context (GRCh38, chr5:138,827,716, plus strand): 5'-GTGGCAGAGTGTAATGCTGTCCGCCAGGCCCTGCAGGACCTGCTTTCGGAGTACATGGGC[A>C]ATGTGAGTTTGACAGCTTTTCTTTGAAGTAAGATATTTATGGATGAGGAGTTTTCTATAA-3'
Protein context (NP_001894.2, residues 344-364): LQDLLSEYMG[Asn354His]AGRKERSDAL

ClinVar aggregate classification (germline): Uncertain significance (1 of 4 stars; one submission).

Conditions:
Hereditary cancer-predisposing syndrome. Also called: Hereditary Cancer Syndrome; Neoplastic Syndromes, Hereditary; Tumor predisposition; Hereditary neoplastic syndrome. Identifiers: Orphanet 140162, MedGen C0027672, MeSH D009386, MONDO:0015356.

Submission:

Ambry Genetics
Classification: Uncertain significance for Hereditary cancer-predisposing syndrome. Last evaluated: 2026-08-15. Review status: criteria provided, single submitter. Criteria: Ambry Variant Classification Scheme 2023. Collection method: clinical testing. Allele origin: germline.
Comment: The p.N354H variant (also known as c.1060A>C), located in coding exon 6 of the CTNNA1 gene, results from an A to C substitution at nucleotide position 1060. The asparagine at codon 354 is replaced by histidine, an amino acid with similar properties. This amino acid position is conserved. In addition, this alteration is predicted to be tolerated by in silico analysis. Based on the available evidence, the clinical significance of this variant remains unclear.